The following is an entry in ClinVar:

NM_000208.4(INSR):c.1348C>T (p.Gln450Ter)

Gene: INSR (insulin receptor; minus strand). Cytogenetic location: 19p13.2.
Variant type: single nucleotide variant.
Coding change: c.1348C>T on transcript NM_000208.4 (MANE Select); coding-DNA position 1348, C replaced by T.
Protein change: p.Gln450Ter; replaces glutamine 450 with a stop codon.
Molecular consequence: nonsense.
Genome position (GRCh38, 1-based): chr19:7,170,672, G>A on the plus strand (C>T on the coding strand, the complement: INSR is on the minus strand). VCF-style: chr19-7170672-G-A. GRCh37 (hg19) VCF-style: chr19-7170683-G-A.
Other names: c.1348C>T, p.Gln450Ter (NM_001079817.3); short protein forms Q450*.
Identifiers: ClinVar variation 1069695 (VCV001069695.7), dbSNP rs2144950571, ClinGen allele CA403667354.

ClinVar aggregate classification (germline): Pathogenic (1 of 4 stars; one submission).

Allele frequency attached by ClinVar (database versions not stated): gnomAD exomes below 0.00001.
gnomAD v4.1: 4 of 1,613,972 alleles (0.00025%); highest among the groups gnomAD compares: Non-Finnish European, 0.00034%; no homozygotes.

Submission:

Labcorp Genetics (formerly Invitae), Labcorp
Classification: Pathogenic. Last evaluated: 2017-11-17. Review status: criteria provided, single submitter. Criteria: Invitae Variant Classification Sherloc (09022015). Collection method: clinical testing. Allele origin: germline.
Comment: Loss-of-function variants in INSR are known to be pathogenic (PMID: 26160152, 12023989). This variant has not been reported in the literature in individuals with INSR-related disease. This variant is not present in population databases (ExAC no frequency). For these reasons, this variant has been classified as Pathogenic. This sequence change creates a premature translational stop signal (p.Gln450*) in the INSR gene. It is expected to result in an absent or disrupted protein product.

Literature cited by the submitters: PubMed 26160152; PubMed 12023989.